The following is an entry in ClinVar:

NM_198535.3(ZNF699):c.421_424del (p.Glu141fs)

Gene: ZNF699 (zinc finger protein 699; minus strand). Cytogenetic location: 19p13.2.
Variant type: Deletion.
Coding change: c.421_424del on transcript NM_198535.3 (MANE Select); coding-DNA positions 421 to 424, 4 bases deleted (GAGT; older notation c.421_424delGAGT).
Protein change: p.Glu141fs; shifts the reading frame from glutamic acid 141.
Molecular consequence: frameshift variant.
Genome position (GRCh38, 1-based): chr19:9,297,342-9,297,345, ACTC deleted on the plus strand (GAGT on the coding strand, the reverse complement: ZNF699 is on the minus strand). VCF-style (leftmost placement, unchanged base first): chr19-9297341-GACTC-G. GRCh37 (hg19) VCF-style: chr19-9408017-GACTC-G.
Other names: p.(Glu141ProfsTer15); short protein forms E141fs.
Identifiers: ClinVar variation 2921280 (VCV002921280.1).

ClinVar aggregate classification (germline): Likely pathogenic (1 of 4 stars; one submission).

Conditions:
DEGCAGS syndrome. Also called: DEVELOPMENTAL DELAY WITH GASTROINTESTINAL, CARDIOVASCULAR, GENITOURINARY, AND SKELETAL ABNORMALITIES. Identifiers: MedGen C5561967, MONDO:0859181, OMIM 619488.

Submission:

Center for Medical Genetics and Molecular Medicine, Haukeland University Hospital
Classification: Likely pathogenic for DEGCAGS syndrome. Last evaluated: 2024-02-01. Review status: criteria provided, single submitter. Criteria: ACMG Guidelines, 2015. Collection method: clinical testing. Allele origin: germline. Inheritance: Autosomal recessive inheritance. Affected: yes.
Comment: ACMG subscores: PVS1_strong, PM2_sup, PM3_sup